The following is an entry in ClinVar:

NM_003906.5(MCM3AP):c.5197G>T (p.Gly1733Cys)

Genes: MCM3AP (minichromosome maintenance complex component 3 associated protein; minus strand), MCM3AP-AS1 (MCM3AP antisense RNA 1; plus strand). Cytogenetic location: 21q22.3.
Variant type: single nucleotide variant.
Coding change: c.5197G>T on transcript NM_003906.5 (MANE Select); coding-DNA position 5197, G replaced by T.
Protein change: p.Gly1733Cys; replaces glycine 1733 with cysteine.
Molecular consequence: missense variant.
Genome position (GRCh38, 1-based): chr21:46,243,564, C>A on the plus strand (G>T on the coding strand, the complement: MCM3AP is on the minus strand). VCF-style: chr21-46243564-C-A. GRCh37 (hg19) VCF-style: chr21-47663478-C-A.
Other names: short protein forms G1733C.
Identifiers: ClinVar variation 1413302 (VCV001413302.9), dbSNP rs564457343, ClinGen allele CA10075933.
Genomic context (GRCh38, chr21:46,243,564, plus strand): 5'-GCTTGTGGTTGATACACAAGGCGATAAGATCATCCCATGGGATCTCCATGACCGAGGGGC[C>A]TGCCCCATGGACTGGGGAGGGACTCTTGCTCTTCCACCTACAGTAGGTTCTGTGGAGCAG-3'
Protein context (NP_003897.2, residues 1723-1743): SKSPSPVHGA[Gly1733Cys]PSVMEIPWDD

ClinVar aggregate classification (germline): Uncertain significance. Review status: criteria provided, multiple submitters, no conflicts (2 of 4 stars). 2 submissions from 2 submitters: Uncertain significance (2). Last evaluated 2022-09-12.

Conditions:
Peripheral neuropathy, autosomal recessive, with or without impaired intellectual development. Identifiers: MedGen C4748283, MONDO:0029131, OMIM 618124.

Allele frequency attached by ClinVar (database versions not stated): gnomAD 0.00002; gnomAD exomes 0.00005 and 0.00012; ExAC 0.00016; 1000 Genomes Project 0.00060; 1000 Genomes Project 30x 0.00062.
gnomAD v4.1: 74 of 1,614,218 alleles (0.0046%); highest among the groups gnomAD compares: South Asian, 0.071%; no homozygotes.

Submissions (2):

Revvity Omics, Revvity
Classification: Uncertain significance for Peripheral neuropathy, autosomal recessive, with or without impaired intellectual development. Last evaluated: 2022-09-12. Review status: criteria provided, single submitter. Criteria: ACMG Guidelines, 2015. Collection method: clinical testing. Allele origin: germline.

Labcorp Genetics (formerly Invitae), Labcorp
Classification: Uncertain significance. Last evaluated: 2021-07-13. Review status: criteria provided, single submitter. Criteria: Invitae Variant Classification Sherloc (09022015). Collection method: clinical testing. Allele origin: germline.
Comment: This variant has not been reported in the literature in individuals with MCM3AP-related conditions. In summary, the available evidence is currently insufficient to determine the role of this variant in disease. Therefore, it has been classified as a Variant of Uncertain Significance. Algorithms developed to predict the effect of missense changes on protein structure and function are either unavailable or do not agree on the potential impact of this missense change (SIFT: "Tolerated"; PolyPhen-2: "Probably Damaging"; Align-GVGD: "Class C15"). This variant is present in population databases (rs564457343, ExAC 0.1%). This sequence change replaces glycine with cysteine at codon 1733 of the MCM3AP protein (p.Gly1733Cys). The glycine residue is highly conserved and there is a large physicochemical difference between glycine and cysteine.